The following is an entry in ClinVar:

NM_000459.5(TEK):c.137C>T (p.Ala46Val)

Gene: TEK (TEK receptor tyrosine kinase; plus strand). Cytogenetic location: 9p21.2.
Variant type: single nucleotide variant.
Coding change: c.137C>T on transcript NM_000459.5 (MANE Select); coding-DNA position 137, C replaced by T.
Protein change: p.Ala46Val; replaces alanine 46 with valine.
Molecular consequence: missense variant. On other transcripts: intron variant (1).
Genome position (GRCh38, 1-based): chr9:27,157,915, C>T. VCF-style: chr9-27157915-C-T. GRCh37 (hg19) VCF-style: chr9-27157913-C-T.
Other names: c.137C>T, p.Ala46Val (NM_001290077.2, NM_001375475.1, NM_001375476.1); c.53-10580C>T (NM_001290078.2); short protein forms A46V.
Identifiers: ClinVar variation 4974684 (VCV004974684.1).

ClinVar aggregate classification (germline): Uncertain significance (1 of 4 stars; one submission).

Conditions:
Multiple cutaneous and mucosal venous malformations (VMCM). Also called: TEK-Related Multiple Cutaneous and Mucosal Venous Malformations (VMCM). Identifiers: Orphanet 2451, MedGen C1838437, MONDO:0010842, OMIM 600195.

gnomAD v4.1: 13 of 1,614,016 alleles (0.00081%); highest among the groups gnomAD compares: Admixed American, 0.012%; no homozygotes.

Submission:

Clinical Genomics Laboratory, Washington University in St. Louis
Classification: Uncertain significance for Multiple cutaneous and mucosal venous malformations. Last evaluated: 2025-11-21. Review status: criteria provided, single submitter. Criteria: ACMG Guidelines, 2015. Collection method: clinical testing. Allele origin: germline.
Comment: A TEK c.137C>T (p.Ala46Val) variant was identified at a near heterozygous allelic fraction of 48.9%, a frequency which may be consistent with it being of germline origin. The TEK c.137C>T (p.Ala46Val) variant, to our knowledge, has not been reported in the medical literature. This variant is only observed in 13/1,614,016 alleles in the general population (gnomAD v4.1.0), indicating it is not a common variant. Computational predictors are uncertain as to the impact of this variant on TEK function. Due to limited information, and based on ACMG/AMP guidelines for variant interpretation (Richards S et al., PMID: 25741868), the clinical significance of this variant is uncertain at this time.